The following is an entry in ClinVar:

NM_138295.5(PKD1L1):c.2982C>T (p.Pro994=)

Gene: PKD1L1 (polycystin 1 like 1, transient receptor potential channel interacting; minus strand). Cytogenetic location: 7p12.3.
Variant type: single nucleotide variant.
Coding change: c.2982C>T on transcript NM_138295.5 (MANE Select); coding-DNA position 2982, C replaced by T.
Protein change: p.Pro994=; no amino-acid change (proline 994 retained).
Molecular consequence: synonymous variant.
Genome position (GRCh38, 1-based): chr7:47,885,909, G>A on the plus strand (C>T on the coding strand, the complement: PKD1L1 is on the minus strand). VCF-style: chr7-47885909-G-A. GRCh37 (hg19) VCF-style: chr7-47925507-G-A.
Other names: c.2982C>T (NM_138295.3).
Identifiers: ClinVar variation 1701524 (VCV001701524.39), dbSNP rs144656414, ClinGen allele CA4253572.
Genomic context (GRCh38, chr7:47,885,909, plus strand): 5'-AGTCATGGGCTCTGTGGGGGTTCCCCTTGGAGCTGAAGTGGCAGGTTGGCCAAGGGTCAC[G>A]GGTGAAGGTTCCCGTGAGAATGGTGTGGTCGTTGCATCAGGATCTGCAGTGCCAGGCTCA-3'
Protein context (NP_612152.1, residues 984-1004): TTTPFSREPS[Pro994=]VTLGQPATSA

ClinVar aggregate classification (germline): Likely benign. Review status: criteria provided, multiple submitters, no conflicts (2 of 4 stars). 5 submissions from 5 submitters: Likely benign (4). 1 of the submissions does not count toward it. Last evaluated 2026-03-01.

Conditions:
PKD1L1-related disorder. Also called: PKD1L1-related condition.

Allele frequency attached by ClinVar (database versions not stated): TOPMed 0.00031; gnomAD exomes 0.00040 and 0.00049; gnomAD 0.00047 and 0.00051; ExAC 0.00059; ESP Exome Variant Server 0.00062.
gnomAD v4.1: 677 of 1,614,034 alleles (0.042%); highest among the groups gnomAD compares: Non-Finnish European, 0.049%; 1 homozygote.

Submissions (5):

CeGaT Center for Human Genetics Tuebingen
Classification: Likely benign. Last evaluated: 2026-03-01. Review status: criteria provided, single submitter. Criteria: CeGaT Center For Human Genetics Tuebingen Variant Classification Criteria Version 2. Collection method: clinical testing. Allele origin: germline. Affected: yes. Observed: 7 variant alleles.
Comment: PKD1L1: BP4, BP7

Labcorp Genetics (formerly Invitae), Labcorp
Classification: Likely benign. Last evaluated: 2025-12-08. Review status: criteria provided, single submitter. Criteria: Invitae Variant Classification Sherloc (09022015). Collection method: clinical testing. Allele origin: germline.

Laboratory of Genetics, Children's Clinical University Hospital Latvia
Classification: Likely benign. Last evaluated: 2025-02-16. Review status: criteria provided, single submitter. Criteria: ACMG Guidelines, 2015. Collection method: clinical testing. Allele origin: germline. Affected: yes.

Blueprint Genetics
Classification: Likely benign. Last evaluated: 2024-11-22. Review status: criteria provided, single submitter. Criteria: ACMG Guidelines, 2015. Collection method: clinical testing. Allele origin: germline.

PreventionGenetics, part of Exact Sciences
Classification: Likely benign for PKD1L1-related condition. Last evaluated: 2021-03-24. Review status: no assertion criteria provided. Collection method: clinical testing. Allele origin: germline. Not counted in ClinVar's aggregate classification.
Comment: This variant is classified as likely benign based on ACMG/AMP sequence variant interpretation guidelines (Richards et al. 2015 PMID: 25741868, with internal and published modifications).